The following is an entry in ClinVar:

NM_182972.3(IRF2BP2):c.701C>T (p.Ala234Val)

Genes: IRF2BP2 (interferon regulatory factor 2 binding protein 2; minus strand), LOC129932811 (ATAC-STARR-seq lymphoblastoid silent region 1976; plus strand). Cytogenetic location: 1q42.3.
Variant type: single nucleotide variant.
Coding change: c.701C>T on transcript NM_182972.3 (MANE Select); coding-DNA position 701, C replaced by T.
Protein change: p.Ala234Val; replaces alanine 234 with valine.
Molecular consequence: missense variant.
Genome position (GRCh38, 1-based): chr1:234,608,794, G>A on the plus strand (C>T on the coding strand, the complement: IRF2BP2 is on the minus strand). VCF-style: chr1-234608794-G-A. GRCh37 (hg19) VCF-style: chr1-234744540-G-A.
Other names: c.701C>T, p.Ala234Val (NM_001077397.1); short protein forms A234V.
Identifiers: ClinVar variation 1714671 (VCV001714671.6), dbSNP rs2528520707, ClinGen allele CA345308910.
Genomic context (GRCh38, chr1:234,608,794, plus strand): 5'-GCCTCACGCTGCTCGTGCTCCACGGCAGCGCTGCTCGACACGGATGCCGGCCGCTTGTGG[G>A]CGCCCAGATCGGTGGGCTGCGCGGAGCCCAGGCTGGCGGCCGCGGTTCCGGACACCGCGG-3'
Protein context (NP_892017.2, residues 224-244): LGSAQPTDLG[Ala234Val]HKRPASVSSS

ClinVar aggregate classification (germline): Uncertain significance (1 of 4 stars; one submission).

Submission:

Labcorp Genetics (formerly Invitae), Labcorp
Classification: Uncertain significance. Last evaluated: 2022-07-15. Review status: criteria provided, single submitter. Criteria: Invitae Variant Classification Sherloc (09022015). Collection method: clinical testing. Allele origin: germline.
Comment: In summary, the available evidence is currently insufficient to determine the role of this variant in disease. Therefore, it has been classified as a Variant of Uncertain Significance. Algorithms developed to predict the effect of missense changes on protein structure and function (SIFT, PolyPhen-2, Align-GVGD) all suggest that this variant is likely to be tolerated. This variant has not been reported in the literature in individuals affected with IRF2BP2-related conditions. This variant is not present in population databases (gnomAD no frequency). This sequence change replaces alanine, which is neutral and non-polar, with valine, which is neutral and non-polar, at codon 234 of the IRF2BP2 protein (p.Ala234Val).